The following is an entry in ClinVar:

ClinVar aggregate classification (germline): Uncertain significance (1 of 4 stars; one submission).

Submission:

GeneDx
Classification: Uncertain significance. Last evaluated: 2024-11-04. Review status: criteria provided, single submitter. Criteria: GeneDx Variant Classification Process June 2021. Collection method: clinical testing. Allele origin: germline.
Comment: Canonical splice site variant in a gene or region of a gene for which loss of function is not a well-established mechanism of disease; Not observed at significant frequency in large population cohorts (gnomAD); Has not been previously published as pathogenic or benign to our knowledge

NM_001220.5(CAMK2B):c.275+1G>A

Gene: CAMK2B (calcium/calmodulin dependent protein kinase II beta; minus strand). Cytogenetic location: 7p13.
Variant type: single nucleotide variant.
Coding change: c.275+1G>A on transcript NM_001220.5 (MANE Select); the canonical splice donor site of the intron after coding-DNA position 275, G replaced by A.
Molecular consequence: splice donor variant.
Genome position (GRCh38, 1-based): chr7:44,258,871, C>T on the plus strand (G>A on the coding strand, the complement: CAMK2B is on the minus strand). VCF-style: chr7-44258871-C-T. GRCh37 (hg19) VCF-style: chr7-44298470-C-T.
Other names: c.275+1G>A (NM_172084.3, NM_172080.3, NM_172083.3 and 5 more transcripts).
Identifiers: ClinVar variation 3369144 (VCV003369144.2).
Genomic context (GRCh38, chr7:44,258,871, plus strand): 5'-ATCCCACCCTGAGCCAAGGCTGGGAGTGAGTGCAGCGAGAGTCCCCAGCTCTGGAACTTA[C>T]AGATCGAAGACCAGGTAGTGGAAGCCCTCCTCGGAGATGCTGTCGTGGAGACGCACTGTG-3'